The following is an entry in ClinVar:

NM_005902.4(SMAD3):c.310C>T (p.Arg104Trp)

Gene: SMAD3 (SMAD family member 3; plus strand). Cytogenetic location: 15q22.33.
Variant type: single nucleotide variant.
Coding change: c.310C>T on transcript NM_005902.4 (MANE Select); coding-DNA position 310, C replaced by T.
Protein change: p.Arg104Trp; replaces arginine 104 with tryptophan.
Molecular consequence: missense variant. On other transcripts: 5 prime UTR variant (1).
Genome position (GRCh38, 1-based): chr15:67,164,998, C>T. VCF-style: chr15-67164998-C-T. GRCh37 (hg19) VCF-style: chr15-67457336-C-T.
Other names: c.-6C>T (NM_001145102.2); c.178C>T, p.Arg60Trp (NM_001145103.2); short protein forms R104W, R60W.
Identifiers: ClinVar variation 520183 (VCV000520183.6), dbSNP rs1360614387, ClinGen allele CA392953993.
Genomic context (GRCh38, chr15:67,164,998, plus strand): 5'-CCTCATGTCATCTACTGCCGCCTGTGGCGATGGCCAGACCTGCACAGCCACCACGAGCTA[C>T]GGGCCATGGAGCTGTGTGAGTTCGCCTTCAATATGAAGAAGGACGAGGTCTGCGTGAATC-3'
Protein context (NP_005893.1, residues 94-114): WPDLHSHHEL[Arg104Trp]AMELCEFAFN

ClinVar aggregate classification (germline): Uncertain significance. Review status: criteria provided, multiple submitters, no conflicts (2 of 4 stars). 2 submissions from 2 submitters: Uncertain significance (2). Last evaluated 2024-07-10.

Conditions:
Aneurysm-osteoarthritis syndrome. Also called: SMAD3-Related Loeys-Dietz Syndrome; ANEURYSMS-OSTEOARTHRITIS SYNDROME; LOEYS-DIETZ SYNDROME WITH OSTEOARTHRITIS; Loeys-Dietz syndrome, type 1C. Identifiers: Orphanet 284984, MedGen C3151087, MONDO:0013426, OMIM 613795.
Familial thoracic aortic aneurysm and aortic dissection (TAAD). Also called: Thoracic aortic aneurysms and dissections. Identifiers: Orphanet 91387, MedGen C4707243, MONDO:0019625.

Allele frequency attached by ClinVar (database versions not stated): gnomAD exomes below 0.00001 and 0.00001; TOPMed below 0.00001.
gnomAD v4.1: 13 of 1,614,114 alleles (0.00081%); highest among the groups gnomAD compares: South Asian, 0.0022%; no homozygotes.

Submissions (2):

All of Us Research Program, National Institutes of Health
Classification: Uncertain significance for Aneurysm-osteoarthritis syndrome. Last evaluated: 2024-07-10. Review status: criteria provided, single submitter. Criteria: ACMG Guidelines, 2015. Collection method: clinical testing. Allele origin: germline. Inheritance: Autosomal dominant inheritance. Observed: 1 variant allele, 1 heterozygote.
Comment: This missense variant replaces arginine with tryptophan at codon 104 of the SMAD3 protein. Computational prediction tools indicate that this variant has a deleterious impact on protein structure and function. To our knowledge, functional studies have not been reported for this variant. This variant has not been reported in individuals affected with SMAD3-related disorders in the literature. This variant has been identified in 1/251432 chromosomes in the general population by the Genome Aggregation Database (gnomAD). The available evidence is insufficient to determine the role of this variant in disease conclusively. Therefore, this variant is classified as a Variant of Uncertain Significance.

This study involves interpretation of variants in research participants for the purpose of population health screening. Participant phenotype was not available at the time of variant classification. Additional details can be found in publication PMID: 35346344, PMCID: PMC8962531

Ambry Genetics
Classification: Uncertain significance for Familial thoracic aortic aneurysm and aortic dissection. Last evaluated: 2017-12-15. Review status: criteria provided, single submitter. Criteria: Ambry Variant Classification Scheme 2023. Collection method: clinical testing. Allele origin: germline.
Comment: The p.R104W variant (also known as c.310C>T), located in coding exon 2 of the SMAD3 gene, results from a C to T substitution at nucleotide position 310. The arginine at codon 104 is replaced by tryptophan, an amino acid with dissimilar properties. This amino acid position is highly conserved in available vertebrate species. In addition, this alteration is predicted to be deleterious by in silico analysis. Since supporting evidence is limited at this time, the clinical significance of this alteration remains unclear.